The following is an entry in ClinVar:

ClinVar aggregate classification (germline): Likely benign. Review status: criteria provided, multiple submitters, no conflicts (2 of 4 stars). 2 submissions from 2 submitters: Likely benign (2). Last evaluated 2026-02-01.

Allele frequency attached by ClinVar (database versions not stated): TOPMed 0.00001; gnomAD 0.00002; gnomAD exomes 0.00002; ExAC 0.00006.
gnomAD v4.1: 25 of 1,608,666 alleles (0.0016%); highest among the groups gnomAD compares: Admixed American, 0.042%; no homozygotes.

Submissions (2):

CeGaT Center for Human Genetics Tuebingen
Classification: Likely benign. Last evaluated: 2026-02-01. Review status: criteria provided, single submitter. Criteria: CeGaT Center For Human Genetics Tuebingen Variant Classification Criteria Version 2. Collection method: clinical testing. Allele origin: germline. Affected: yes. Observed: 1 variant allele.
Comment: STAG1: BP4, BP7

Labcorp Genetics (formerly Invitae), Labcorp
Classification: Likely benign. Last evaluated: 2026-01-27. Review status: criteria provided, single submitter. Criteria: Invitae Variant Classification Sherloc (09022015). Collection method: clinical testing. Allele origin: germline.

NM_005862.3(STAG1):c.3546G>A (p.Val1182=)

Gene: STAG1 (STAG1 cohesin complex component; minus strand). Cytogenetic location: 3q22.3.
Variant type: single nucleotide variant.
Coding change: c.3546G>A on transcript NM_005862.3 (MANE Select); coding-DNA position 3546, G replaced by A.
Protein change: p.Val1182=; no amino-acid change (valine 1182 retained).
Molecular consequence: synonymous variant.
Genome position (GRCh38, 1-based): chr3:136,341,452, C>T on the plus strand (G>A on the coding strand, the complement: STAG1 is on the minus strand). VCF-style: chr3-136341452-C-T. GRCh37 (hg19) VCF-style: chr3-136060294-C-T.
Identifiers: ClinVar variation 2176933 (VCV002176933.8), dbSNP rs757663777, ClinGen allele CA2632366.